The following is an entry in ClinVar:

NM_001080421.3(UNC13A):c.2992G>A (p.Asp998Asn)

Gene: UNC13A (unc-13 homolog A; minus strand). Cytogenetic location: 19p13.11.
Variant type: single nucleotide variant.
Coding change: c.2992G>A on transcript NM_001080421.3 (MANE Select); coding-DNA position 2992, G replaced by A.
Protein change: p.Asp998Asn; replaces aspartic acid 998 with asparagine.
Molecular consequence: missense variant.
Genome position (GRCh38, 1-based): chr19:17,639,172, C>T on the plus strand (G>A on the coding strand, the complement: UNC13A is on the minus strand). VCF-style: chr19-17639172-C-T. GRCh37 (hg19) VCF-style: chr19-17749981-C-T.
Other names: c.2986G>A, p.Asp996Asn (NM_001387021.1, NM_001387022.1, NM_001387023.1); short protein forms D996N, D998N.
Identifiers: ClinVar variation 4536493 (VCV004536493.1).
Genomic context (GRCh38, chr19:17,639,172, plus strand): 5'-GTTCATGGCAGTTATTGAAGATGTACTCGTAGGTAGAATTAAGGCAGGCTTTCACACAGT[C>T]CTTTACCACCTGGCTGGCTCGGGGCGGGCTCTGGAGTTCTTGTACCTGAAGGGAGGGAGA-3'
Protein context (NP_001073890.2, residues 988-1008): SPPRASQVVK[Asp998Asn]CVKACLNSTY

ClinVar aggregate classification (germline): Uncertain significance (1 of 4 stars; one submission).

Submission:

GeneDx
Classification: Uncertain significance. Last evaluated: 2025-06-02. Review status: criteria provided, single submitter. Criteria: GeneDx Variant Classification Process June 2021. Collection method: clinical testing. Allele origin: germline. Affected: yes.
Comment: Not observed at significant frequency in large population cohorts (gnomAD); In silico analysis supports that this missense variant has a deleterious effect on protein structure/function; Has not been previously published as pathogenic or benign to our knowledge